The following is an entry in ClinVar:

NM_001363711.2(DUOX2):c.4239+3G>T

Gene: DUOX2 (dual oxidase 2; minus strand). Cytogenetic location: 15q21.1.
Variant type: single nucleotide variant.
Coding change: c.4239+3G>T on transcript NM_001363711.2 (MANE Select); 3 bases into the intron after coding-DNA position 4239, G replaced by T.
Molecular consequence: intron variant.
Genome position (GRCh38, 1-based): chr15:45,095,434, C>A on the plus strand (G>T on the coding strand, the complement: DUOX2 is on the minus strand). VCF-style: chr15-45095434-C-A. GRCh37 (hg19) VCF-style: chr15-45387632-C-A.
Other names: c.4239+3G>T (NM_014080.5, NM_014080.4).
Identifiers: ClinVar variation 1907566 (VCV001907566.4), dbSNP rs377517657, ClinGen allele CA7537598.

ClinVar aggregate classification (germline): Uncertain significance. Review status: criteria provided, single submitter (1 of 4 stars). 2 submissions from 2 submitters: Uncertain significance (1). 1 of the submissions does not count toward it. Last evaluated 2022-04-08.

Conditions:
DUOX2-related disorder. Also called: DUOX2-related condition.

Allele frequency attached by ClinVar (database versions not stated): ESP Exome Variant Server 0.00008; gnomAD 0.00008.
gnomAD v4.1: 21 of 1,614,092 alleles (0.0013%); highest among the groups gnomAD compares: African/African-American, 0.025%; no homozygotes.

Submissions (2):

Labcorp Genetics (formerly Invitae), Labcorp
Classification: Uncertain significance. Last evaluated: 2022-04-08. Review status: criteria provided, single submitter. Criteria: Invitae Variant Classification Sherloc (09022015). Collection method: clinical testing. Allele origin: germline.
Comment: This sequence change falls in intron 31 of the DUOX2 gene. It does not directly change the encoded amino acid sequence of the DUOX2 protein. It affects a nucleotide within the consensus splice site. This variant is present in population databases (rs377517657, gnomAD 0.03%). This variant has not been reported in the literature in individuals affected with DUOX2-related conditions. Variants that disrupt the consensus splice site are a relatively common cause of aberrant splicing (PMID: 17576681, 9536098). Algorithms developed to predict the effect of sequence changes on RNA splicing suggest that this variant may disrupt the consensus splice site. In summary, the available evidence is currently insufficient to determine the role of this variant in disease. Therefore, it has been classified as a Variant of Uncertain Significance.

PreventionGenetics, part of Exact Sciences
Classification: Likely benign for DUOX2-related condition. Last evaluated: 2019-08-13. Review status: no assertion criteria provided. Collection method: clinical testing. Allele origin: germline. Not counted in ClinVar's aggregate classification.
Comment: This variant is classified as likely benign based on ACMG/AMP sequence variant interpretation guidelines (Richards et al. 2015 PMID: 25741868, with internal and published modifications).

Literature cited by the submitters: PubMed 17576681 (cited by Labcorp Genetics (formerly Invitae), Labcorp); PubMed 9536098 (cited by Labcorp Genetics (formerly Invitae), Labcorp).